The following is an entry in ClinVar:

NM_000283.4(PDE6B):c.243del (p.Arg82fs)

Gene: PDE6B (phosphodiesterase 6B; plus strand). Cytogenetic location: 4p16.3.
Variant type: Deletion.
Coding change: c.243del on transcript NM_000283.4 (MANE Select); coding-DNA position 243, one base deleted (G; older notation c.243delG).
Protein change: p.Arg82fs; shifts the reading frame from arginine 82.
Molecular consequence: frameshift variant.
Genome position (GRCh38, 1-based): chr4:625,869, G deleted; the last of 2 consecutive G bases (chr4:625,868-625,869); deleting either gives the same sequence. VCF-style (leftmost placement, unchanged base first): chr4-625867-CG-C. GRCh37 (hg19) VCF-style: chr4-619656-CG-C.
Other names: c.243del, p.Arg82fs (NM_001145291.2, NM_001440547.1, NM_001440548.1); short protein forms R82fs.
Identifiers: ClinVar variation 4747388 (VCV004747388.2).

ClinVar aggregate classification (germline): Pathogenic. Review status: criteria provided, multiple submitters, no conflicts (2 of 4 stars). 2 submissions from 2 submitters: Pathogenic (2). Last evaluated 2025-03-06.

Conditions:
PDE6B-related disorder. Also called: PDE6B-related disease; PDE6B-related condition; PDE6B-related disorders.

Submissions (2):

Labcorp Genetics (formerly Invitae), Labcorp
Classification: Pathogenic. Last evaluated: 2025-03-06. Review status: criteria provided, single submitter. Criteria: Invitae Variant Classification Sherloc (09022015). Collection method: clinical testing. Allele origin: germline.
Comment: This sequence change creates a premature translational stop signal (p.Arg82Alafs*68) in the PDE6B gene. It is expected to result in an absent or disrupted protein product. Loss-of-function variants in PDE6B are known to be pathogenic (PMID: 8394174, 8595886, 22334370). This variant is not present in population databases (gnomAD no frequency). This premature translational stop signal has been observed in individual(s) with retinitis pigmentosa (PMID: 27917291). For these reasons, this variant has been classified as Pathogenic.

Blueprint Genetics
Classification: Pathogenic for PDE6B-related disorders. Last evaluated: 2020-03-19. Review status: criteria provided, single submitter. Criteria: ACMG Guidelines, 2015. Collection method: clinical testing. Allele origin: germline. Affected: yes. Observed: 2 variant alleles.

Literature cited by the submitters: PubMed 8394174 (cited by Labcorp Genetics (formerly Invitae), Labcorp); PubMed 8595886 (cited by Labcorp Genetics (formerly Invitae), Labcorp); PubMed 22334370 (cited by Labcorp Genetics (formerly Invitae), Labcorp); PubMed 27917291 (cited by Labcorp Genetics (formerly Invitae), Labcorp).